The following is an entry in ClinVar:

NM_002382.5(MAX):c.224G>T (p.Arg75Leu)

Gene: MAX (MYC associated transcriptional regulator X; minus strand). Cytogenetic location: 14q23.3.
Variant type: single nucleotide variant.
Coding change: c.224G>T on transcript NM_002382.5 (MANE Select); coding-DNA position 224, G replaced by T.
Protein change: p.Arg75Leu; replaces arginine 75 with leucine.
Molecular consequence: missense variant. On other transcripts: 5 prime UTR variant (6), non-coding transcript variant (7), intron variant (2).
Genome position (GRCh38, 1-based): chr14:65,077,984, C>A on the plus strand (G>T on the coding strand, the complement: MAX is on the minus strand). VCF-style: chr14-65077984-C-A. GRCh37 (hg19) VCF-style: chr14-65544702-C-A.
Other names: c.197G>T, p.Arg66Leu (NM_001407095.1, NM_001407099.1, NM_001407100.1 and 6 more transcripts); c.224G>T, p.Arg75Leu (NM_001407096.1, NM_001407097.1, NM_001407103.1 and 3 more transcripts); c.116G>T, p.Arg39Leu (NM_001407098.1); c.-51G>T (NM_001407105.1, NM_001407106.1, NM_001407107.1 and 1 more transcripts); c.-144G>T (NM_001407111.1, NM_001407112.1); c.144+15724G>T (NM_001271069.2); c.171+15724G>T (NM_197957.4); short protein forms R39L, R75L, R66L.
Identifiers: ClinVar variation 5023922 (VCV005023922.1).

ClinVar aggregate classification (germline): Uncertain significance (1 of 4 stars; one submission).

Conditions:
Hereditary cancer-predisposing syndrome. Also called: Neoplastic Syndromes, Hereditary; Tumor predisposition; Hereditary neoplastic syndrome; Hereditary Cancer Syndrome. Identifiers: Orphanet 140162, MedGen C0027672, MeSH D009386, MONDO:0015356.

Submission:

Ambry Genetics
Classification: Uncertain significance for Hereditary cancer-predisposing syndrome. Last evaluated: 2026-07-06. Review status: criteria provided, single submitter. Criteria: Ambry Variant Classification Scheme 2023. Collection method: clinical testing. Allele origin: germline.
Comment: The p.R75L variant (also known as c.224G>T), located in coding exon 4 of the MAX gene, results from a G to T substitution at nucleotide position 224. The arginine at codon 75 is replaced by leucine, an amino acid with dissimilar properties. This amino acid position is conserved. In addition, this alteration is predicted to be deleterious by in silico analysis. Based on the available evidence, the clinical significance of this variant remains unclear.